The following is an entry in ClinVar:

NM_006121.4(KRT1):c.1349C>A (p.Ala450Asp)

Gene: KRT1 (keratin 1; minus strand). Cytogenetic location: 12q13.13.
Variant type: single nucleotide variant.
Coding change: c.1349C>A on transcript NM_006121.4 (MANE Select); coding-DNA position 1349, C replaced by A.
Protein change: p.Ala450Asp; replaces alanine 450 with aspartic acid.
Molecular consequence: missense variant.
Genome position (GRCh38, 1-based): chr12:52,676,401, G>T on the plus strand (C>A on the coding strand, the complement: KRT1 is on the minus strand). VCF-style: chr12-52676401-G-T. GRCh37 (hg19) VCF-style: chr12-53070185-G-T.
Other names: short protein forms A450D.
Identifiers: ClinVar variation 432177 (VCV000432177.2), dbSNP rs199877663, ClinGen allele CA384962844.

ClinVar aggregate classification (germline): Likely pathogenic (1 of 4 stars; one submission).

Submission:

GeneDx
Classification: Likely pathogenic. Last evaluated: 2016-06-01. Review status: criteria provided, single submitter. Criteria: GeneDx Variant Classification (06012015). Collection method: clinical testing. Allele origin: germline. Affected: yes.
Comment: To our knowledge, the A450D variant has not been published as a pathogenic variant, nor has it been reported as a benign variant. It was not observed in approximately 6,500 individuals of European and African American ancestry in the NHLBI Exome Sequencing Project, indicating it is not a common benign variant in these populations. The A450D variant is a non-conservative amino acid substitution, which is likely to impact secondary protein structure as these residues differ in polarity, charge, size and/or other properties. This substitution occurs within the conserved 2B region of the alpha-helical rod domain of keratin 1; however, upstream of the mutational hotspot (helix termination motif). No other pathogenic missense changes have been reported in this region according to the Human Intermediate Filament Database. In summary, we consider A450D is a likely pathogenic variant